The following is an entry in ClinVar:

ClinVar aggregate classification (germline): Likely benign (0 of 4 stars; one submission).

Conditions:
CTBP2-related disorder. Also called: CTBP2-related condition.

Allele frequency attached by ClinVar (database versions not stated): 1000 Genomes Project 30x 0.00047; 1000 Genomes Project 0.00060; TOPMed 0.00062; gnomAD 0.00074; gnomAD exomes 0.00096; ESP Exome Variant Server 0.00105; ExAC 0.00162.
gnomAD v4.1: 1,494 of 1,605,146 alleles (0.093%); highest among the groups gnomAD compares: Non-Finnish European, 0.12%; no homozygotes.

Submission:

PreventionGenetics, part of Exact Sciences
Classification: Likely benign for CTBP2-related condition. Last evaluated: 2019-04-10. Review status: no assertion criteria provided. Collection method: clinical testing. Allele origin: germline.
Comment: This variant is classified as likely benign based on ACMG/AMP sequence variant interpretation guidelines (Richards et al. 2015 PMID: 25741868, with internal and published modifications).

NM_001329.4(CTBP2):c.59-2045C>T

Gene: CTBP2 (C-terminal binding protein 2; minus strand). Cytogenetic location: 10q26.13.
Variant type: single nucleotide variant.
Coding change: c.59-2045C>T on transcript NM_001329.4 (MANE Select); 2045 bases into the intron before coding-DNA position 59, C replaced by T.
Molecular consequence: intron variant.
Genome position (GRCh38, 1-based): chr10:125,005,537, G>A on the plus strand (C>T on the coding strand, the complement: CTBP2 is on the minus strand). VCF-style: chr10-125005537-G-A. GRCh37 (hg19) VCF-style: chr10-126694106-G-A.
Other names: c.59-2045C>T (NM_001083914.3, NM_001290214.3, NM_001321012.2 and 3 more transcripts); c.1679-2045C>T (NM_022802.3); c.262+10C>T (NM_001363508.2).
Identifiers: ClinVar variation 3037773 (VCV003037773.2), dbSNP rs201342709, ClinGen allele CA5736031.